The following is an entry in ClinVar:

NM_007194.4(CHEK2):c.592G>A (p.Val198Ile)

Gene: CHEK2 (checkpoint kinase 2; minus strand). Cytogenetic location: 22q12.1.
Variant type: single nucleotide variant.
Coding change: c.592G>A on transcript NM_007194.4 (MANE Select); coding-DNA position 592, G replaced by A.
Protein change: p.Val198Ile; replaces valine 198 with isoleucine.
Molecular consequence: missense variant. On other transcripts: 5 prime UTR variant (2), intron variant (1).
Genome position (GRCh38, 1-based): chr22:28,724,977, C>T on the plus strand (G>A on the coding strand, the complement: CHEK2 is on the minus strand). VCF-style: chr22-28724977-C-T. GRCh37 (hg19) VCF-style: chr22-29120965-C-T.
Other names: c.721G>A, p.Val241Ile (NM_001005735.3, NM_001438294.1); c.-186G>A (NM_001257387.3); c.-72G>A (NM_001437942.1); c.685G>A, p.Val229Ile (NM_001438293.1, NM_001438295.1); c.592G>A, p.Val198Ile (NM_145862.3); c.445-54G>A (NM_001349956.3); short protein forms V198I, V241I, V229I.
Identifiers: ClinVar variation 945740 (VCV000945740.15), dbSNP rs1555926708, ClinGen allele CA411106894.

ClinVar aggregate classification (germline): Conflicting classifications of pathogenicity. Review status: criteria provided, conflicting classifications (1 of 4 stars). 2 submissions from 2 submitters: Likely pathogenic (1); Uncertain significance (1). Last evaluated 2025-09-23.

Conditions:
Familial cancer of breast. Also called: hereditary breast carcinoma; BREAST CANCER, FAMILIAL; Hereditary breast cancer. Identifiers: Orphanet 227535, MedGen C0346153, MONDO:0016419, OMIM 114480. Disease mechanism: loss of function.
Hereditary cancer-predisposing syndrome. Also called: Neoplastic Syndromes, Hereditary; Hereditary Cancer Syndrome; Tumor predisposition; Hereditary neoplastic syndrome. Identifiers: Orphanet 140162, MedGen C0027672, MeSH D009386, MONDO:0015356.

Allele frequency attached by ClinVar (database versions not stated): gnomAD exomes below 0.00001.
gnomAD v4.1: 4 of 1,613,842 alleles (0.00025%); highest among the groups gnomAD compares: Non-Finnish European, 0.00034%; no homozygotes.

Submissions (2):

Ambry Genetics
Classification: Likely pathogenic for Hereditary cancer-predisposing syndrome. Last evaluated: 2025-09-23. Review status: criteria provided, single submitter. Criteria: Ambry Variant Classification Scheme 2023. Collection method: clinical testing. Allele origin: germline.
Comment: The c.592G>A variant (also known as p.V198I), located in coding exon 3 of the CHEK2 gene, results from a G to A substitution at nucleotide position 592. The amino acid change results in valine to isoleucine at codon 198, an amino acid with highly similar properties. However, this change occurs in the last base pair of coding exon 3, which makes it likely to have some effect on normal mRNA splicing. This alteration was identified in an individual at risk for hereditary breast and/or ovarian cancer referred for multigene panel testing (Schroeder C et al. Breast Cancer Res Treat, 2015 Jul;152:129-136). Another alteration at this same donor site, CHEK2 c.592+3A>T, results in abnormal splicing in the set of samples tested (Ambry internal data). This nucleotide position is highly conserved in available vertebrate species. In silico splice site analysis predicts that this alteration will weaken the native splice donor site; however, direct evidence is insufficient at this time (Ambry internal data). This amino acid position is highly conserved in available vertebrate species. In addition, as a missense substitution this is predicted to be tolerated by in silico analysis. This variant is considered to be rare based on population cohorts in the Genome Aggregation Database (gnomAD). Based on the majority of available evidence to date, this variant is likely to be pathogenic.

Labcorp Genetics (formerly Invitae), Labcorp
Classification: Uncertain significance for Familial cancer of breast. Last evaluated: 2025-05-11. Review status: criteria provided, single submitter. Criteria: Invitae Variant Classification Sherloc (09022015). Collection method: clinical testing. Allele origin: germline.
Comment: This sequence change replaces valine, which is neutral and non-polar, with isoleucine, which is neutral and non-polar, at codon 198 of the CHEK2 protein (p.Val198Ile). This variant also falls at the last nucleotide of exon 4, which is part of the consensus splice site for this exon. This variant is present in population databases (no rsID available, gnomAD 0.0009%). This missense change has been observed in individual(s) with hereditary breast and/or ovarian cancer (PMID: 26022348). ClinVar contains an entry for this variant (Variation ID: 945740). An algorithm developed to predict the effect of missense changes on protein structure and function (PolyPhen-2) suggests that this variant is likely to be tolerated. Variants that disrupt the consensus splice site are a relatively common cause of aberrant splicing (PMID: 17576681, 9536098). Studies have shown that this missense change is associated with inconclusive levels of altered splicing (internal data). In summary, the available evidence is currently insufficient to determine the role of this variant in disease. Therefore, it has been classified as a Variant of Uncertain Significance.

Literature cited by the submitters: PubMed 26022348 (cited by Ambry Genetics and Labcorp Genetics (formerly Invitae), Labcorp); PubMed 37449874 (cited by Ambry Genetics); PubMed 17576681 (cited by Labcorp Genetics (formerly Invitae), Labcorp); PubMed 9536098 (cited by Labcorp Genetics (formerly Invitae), Labcorp).